The following is an entry in ClinVar:

ClinVar aggregate classification (germline): Pathogenic (1 of 4 stars; one submission).

Submission:

GeneDx
Classification: Pathogenic. Last evaluated: 2024-03-14. Review status: criteria provided, single submitter. Criteria: GeneDx Variant Classification Process June 2021. Collection method: clinical testing. Allele origin: germline. Affected: yes.
Comment: Canonical splice site variant expected to result in aberrant splicing, although in the absence of functional evidence the actual effect of this sequence change is unknown.; Not observed at significant frequency in large population cohorts (gnomAD); Has not been previously published as pathogenic or benign to our knowledge

NM_006593.4(TBR1):c.1128+2T>C

Gene: TBR1 (T-box brain transcription factor 1; plus strand). Cytogenetic location: 2q24.2.
Variant type: single nucleotide variant.
Coding change: c.1128+2T>C on transcript NM_006593.4 (MANE Select); the canonical splice donor site of the intron after coding-DNA position 1128, T replaced by C.
Molecular consequence: splice donor variant.
Genome position (GRCh38, 1-based): chr2:161,419,052, T>C. VCF-style: chr2-161419052-T-C. GRCh37 (hg19) VCF-style: chr2-162275563-T-C.
Identifiers: ClinVar variation 3342333 (VCV003342333.1).
Genomic context (GRCh38, chr2:161,419,052, plus strand): 5'-AGACGTTCACTTTCCCTGAGACTCAGTTCATCGCCGTCACCGCCTACCAGAACACGGATG[T>C]AAGGAGACCTAGGGGCTGGGGGCGAGGCGGGCGGCACAGACATCTCTCCCACCCTCTCAC-3'